The following is an entry in ClinVar:

ClinVar aggregate classification (germline): Pathogenic (1 of 4 stars; one submission).

Submission:

Labcorp Genetics (formerly Invitae), Labcorp
Classification: Pathogenic. Last evaluated: 2025-11-11. Review status: criteria provided, single submitter. Criteria: Invitae Variant Classification Sherloc (09022015). Collection method: clinical testing. Allele origin: germline.
Comment: This sequence change creates a premature translational stop signal (p.Glu601*) in the TCF12 gene. It is expected to result in an absent or disrupted protein product. Loss-of-function variants in TCF12 are known to be pathogenic (PMID: 23354436, 32620954). This variant is not present in population databases (gnomAD no frequency). This variant has not been reported in the literature in individuals affected with TCF12-related conditions. For these reasons, this variant has been classified as Pathogenic.

Literature cited by the submitters: PubMed 23354436; PubMed 32620954.

NM_207037.2(TCF12):c.1801G>T (p.Glu601Ter)

Gene: TCF12 (transcription factor 12; plus strand). Cytogenetic location: 15q21.3.
Variant type: single nucleotide variant.
Coding change: c.1801G>T on transcript NM_207037.2 (MANE Select); coding-DNA position 1801, G replaced by T.
Protein change: p.Glu601Ter; replaces glutamic acid 601 with a stop codon.
Molecular consequence: nonsense.
Genome position (GRCh38, 1-based): chr15:57,273,085, G>T. VCF-style: chr15-57273085-G-T. GRCh37 (hg19) VCF-style: chr15-57565283-G-T.
Other names: c.1291G>T, p.Glu431Ter (NM_001306219.3); c.1021G>T, p.Glu341Ter (NM_001306220.3); c.1801G>T, p.Glu601Ter (NM_001322151.2, NM_001322159.3, NM_001322162.2 and 1 more transcripts); c.1798G>T, p.Glu600Ter (NM_001322152.2, NM_001322161.2); c.1144G>T, p.Glu382Ter (NM_001322154.2); c.1627G>T, p.Glu543Ter (NM_001322156.2); c.1729G>T, p.Glu577Ter (NM_001322157.3, NM_001322165.2, NM_003205.4 and 1 more transcripts); c.1555G>T, p.Glu519Ter (NM_001322158.2); and 2 more; short protein forms E407*, E577*, E589*, E519*, E543*, E601*, E341*, E431*.
Identifiers: ClinVar variation 4713933 (VCV004713933.1).